The following is an entry in ClinVar:

ClinVar aggregate classification (germline): Uncertain significance. Review status: criteria provided, multiple submitters, no conflicts (2 of 4 stars). 3 submissions from 3 submitters: Uncertain significance (3). Last evaluated 2025-10-24.

Conditions:
Familial melanoma. Also called: Hereditary melanoma; Hereditary cutaneous melanoma. Identifiers: Orphanet 618, MedGen C1512419, MONDO:0018961.
Hereditary cancer-predisposing syndrome. Also called: Hereditary neoplastic syndrome; Neoplastic Syndromes, Hereditary; Hereditary Cancer Syndrome; Tumor predisposition. Identifiers: Orphanet 140162, MedGen C0027672, MeSH D009386, MONDO:0015356.

Allele frequency attached by ClinVar (database versions not stated): gnomAD exomes below 0.00001; gnomAD 0.00001.

Submissions (3):

Ambry Genetics
Classification: Uncertain significance for Hereditary cancer-predisposing syndrome. Last evaluated: 2025-10-24. Review status: criteria provided, single submitter. Criteria: Ambry Variant Classification Scheme 2023. Collection method: clinical testing. Allele origin: germline.
Comment: The p.T77S variant (also known as c.230C>G), located in coding exon 2 of the CDKN2A gene, results from a C to G substitution at nucleotide position 230. The threonine at codon 77 is replaced by serine, an amino acid with similar properties. Of note, this variant is also known as c.273C>G (p.H91Q) in the p14(ARF) isoform. This amino acid position is highly conserved in available vertebrate species. In addition, the in silico prediction for this alteration is inconclusive. Since supporting evidence is limited at this time, the clinical significance of this alteration remains unclear.

Labcorp Genetics (formerly Invitae), Labcorp
Classification: Uncertain significance for Familial melanoma. Last evaluated: 2024-12-17. Review status: criteria provided, single submitter. Criteria: Invitae Variant Classification Sherloc (09022015). Collection method: clinical testing. Allele origin: germline.
Comment: The CDKN2A gene encodes two different proteins, p16INK4a and p14ARF, which are translated from alternative transcripts with different open reading frames. Both transcripts have been analyzed. We report either the variant with the higher classification or default to the CDKN2A (p16INK4a) variant. This report therefore includes the details for the CDKN2A (p16INK4a) variant. This sequence change replaces threonine, which is neutral and polar, with serine, which is neutral and polar, at codon 77 of the CDKN2A (p16INK4a) protein (p.Thr77Ser). The frequency data for this variant in the population databases is considered unreliable, as metrics indicate poor data quality at this position in the gnomAD database. This variant has not been reported in the literature in individuals affected with CDKN2A (p16INK4a)-related conditions. This variant is also known as c.273C>G (p.His91Gln) in the CDKN2A (p14ARF) transcript. ClinVar contains an entry for this variant (Variation ID: 582983). An algorithm developed to predict the effect of missense changes on protein structure and function (PolyPhen-2) suggests that this variant is likely to be tolerated. In summary, the available evidence is currently insufficient to determine the role of this variant in disease. Therefore, it has been classified as a Variant of Uncertain Significance.

GeneDx
Classification: Uncertain significance. Last evaluated: 2024-02-23. Review status: criteria provided, single submitter. Criteria: GeneDx Variant Classification Process June 2021. Collection method: clinical testing. Allele origin: germline. Affected: yes.
Comment: Has not been previously published as pathogenic or benign to our knowledge; Not observed at significant frequency in large population cohorts (gnomAD); In silico analysis supports that this missense variant has a deleterious effect on protein structure/function; This variant in the p16 isoform also results in a variant of uncertain significance in the p14-ARF protein, p.His91Gln

NM_000077.5(CDKN2A):c.230C>G (p.Thr77Ser)

Gene: CDKN2A (cyclin dependent kinase inhibitor 2A; minus strand). Cytogenetic location: 9p21.3.
Variant type: single nucleotide variant.
Coding change: c.230C>G on transcript NM_000077.5; coding-DNA position 230, C replaced by G.
Protein change: p.Thr77Ser; replaces threonine 77 with serine.
Molecular consequence: missense variant (on NM_000077.6). On other transcripts: 3 prime UTR variant (1).
Genome position (GRCh38, 1-based): chr9:21,971,129, G>C on the plus strand (C>G on the coding strand, the complement: CDKN2A is on the minus strand). VCF-style: chr9-21971129-G-C. GRCh37 (hg19) VCF-style: chr9-21971128-G-C.
Other names: c.230C>G, p.Thr77Ser (NM_000077.6, NM_001195132.2); c.77C>G, p.Thr26Ser (NM_001363763.2); c.273C>G, p.His91Gln (NM_058195.4); c.*153C>G (NM_058197.5); short protein forms H91Q, T77S, T26S.
Identifiers: ClinVar variation 582983 (VCV000582983.17), dbSNP rs1350680332, ClinGen allele CA373086277.